The following is an entry in ClinVar:

ClinVar aggregate classification (germline): Uncertain significance. Review status: criteria provided, multiple submitters, no conflicts (2 of 4 stars). 2 submissions from 2 submitters: Uncertain significance (2). Last evaluated 2024-02-05.

Conditions:
Inborn genetic diseases. Identifiers: MedGen C0950123, MeSH D030342.

gnomAD v4.1: 74 of 1,613,490 alleles (0.0046%); highest among the groups gnomAD compares: Admixed American, 0.025%; no homozygotes.

Submissions (2):

Labcorp Genetics (formerly Invitae), Labcorp
Classification: Uncertain significance. Last evaluated: 2024-02-05. Review status: criteria provided, single submitter. Criteria: Invitae Variant Classification Sherloc (09022015). Collection method: clinical testing. Allele origin: germline.
Comment: This sequence change replaces alanine, which is neutral and non-polar, with threonine, which is neutral and polar, at codon 611 of the INTU protein (p.Ala611Thr). This variant is present in population databases (rs200105767, gnomAD 0.04%). This variant has not been reported in the literature in individuals affected with INTU-related conditions. ClinVar contains an entry for this variant (Variation ID: 2182014). Advanced modeling of protein sequence and biophysical properties (such as structural, functional, and spatial information, amino acid conservation, physicochemical variation, residue mobility, and thermodynamic stability) performed at Invitae indicates that this missense variant is not expected to disrupt INTU protein function with a negative predictive value of 80%. In summary, the available evidence is currently insufficient to determine the role of this variant in disease. Therefore, it has been classified as a Variant of Uncertain Significance.

Ambry Genetics
Classification: Uncertain significance for Inborn genetic diseases. Last evaluated: 2023-03-02. Review status: criteria provided, single submitter. Criteria: Ambry Variant Classification Scheme 2023. Collection method: clinical testing. Allele origin: germline.

NM_015693.4(INTU):c.1831G>A (p.Ala611Thr)

Gene: INTU (inturned planar cell polarity protein; plus strand). Cytogenetic location: 4q28.1.
Variant type: single nucleotide variant.
Coding change: c.1831G>A on transcript NM_015693.4 (MANE Select); coding-DNA position 1831, G replaced by A.
Protein change: p.Ala611Thr; replaces alanine 611 with threonine.
Molecular consequence: missense variant.
Genome position (GRCh38, 1-based): chr4:127,706,529, G>A. VCF-style: chr4-127706529-G-A. GRCh37 (hg19) VCF-style: chr4-128627684-G-A.
Other names: c.1831G>A (NM_015693.3); short protein forms A611T.
Identifiers: ClinVar variation 2182014 (VCV002182014.5), dbSNP rs200105767, ClinGen allele CA3075201.